The following is an entry in ClinVar:

NM_001042492.3(NF1):c.7059_7062dup (p.Ser2355fs)

Gene: NF1 (neurofibromin 1; plus strand). Cytogenetic location: 17q11.2.
Variant type: Duplication.
Coding change: c.7059_7062dup on transcript NM_001042492.3 (MANE Select); coding-DNA positions 7059 to 7062, 4 bases duplicated (CAAG; older notation c.7059_7062dupCAAG).
Protein change: p.Ser2355fs; shifts the reading frame from serine 2355.
Molecular consequence: frameshift variant.
Genome position (GRCh38, 1-based): chr17:31,340,642-31,340,645, CAAG duplicated. VCF-style (leftmost placement, unchanged base first): chr17-31340641-A-ACAAG. GRCh37 (hg19) VCF-style: chr17-29667659-A-ACAAG.
Other names: c.6996_6999dup, p.Ser2334Glnfs (NM_000267.4); short protein forms S2355fs, S2334fs.
Identifiers: ClinVar variation 846444 (VCV000846444.6), dbSNP rs2069795265, ClinGen allele CA916080692.

ClinVar aggregate classification (germline): Pathogenic (1 of 4 stars; one submission).

Conditions:
Neurofibromatosis, type 1 (NF1). Also called: Peripheral type neurofibromatosis; VON RECKLINGHAUSEN DISEASE; Neurofibromatosis, type I; NEUROFIBROMATOSIS, TYPE I, SOMATIC. Identifiers: Orphanet 636, MedGen C0027831, MONDO:0018975, OMIM 162200. Disease mechanism: loss of function.

Submission:

Labcorp Genetics (formerly Invitae), Labcorp
Classification: Pathogenic for Neurofibromatosis, type 1. Last evaluated: 2019-05-13. Review status: criteria provided, single submitter. Criteria: Invitae Variant Classification Sherloc (09022015). Collection method: clinical testing. Allele origin: germline.
Comment: For these reasons, this variant has been classified as Pathogenic. Loss-of-function variants in NF1 are known to be pathogenic (PMID: 10712197, 23913538). Algorithms developed to predict the effect of sequence changes on RNA splicing suggest that this variant may create or strengthen a splice site, but this prediction has not been confirmed by published transcriptional studies. This variant has not been reported in the literature in individuals with NF1-related conditions. This variant is not present in population databases (ExAC no frequency). This sequence change creates a premature translational stop signal (p.Ser2334Glnfs*32) in the NF1 gene. It is expected to result in an absent or disrupted protein product.

Literature cited by the submitters: PubMed 10712197; PubMed 23913538.